The following is an entry in ClinVar:

ClinVar aggregate classification (germline): Uncertain significance (1 of 4 stars; one submission).

Submission:

Laboratory for Molecular Medicine, Mass General Brigham Personalized Medicine
Classification: Uncertain significance. Last evaluated: 2013-11-20. Review status: criteria provided, single submitter. Criteria: LMM Criteria. Collection method: clinical testing. Allele origin: germline. Observed: 2 variant alleles.
Comment: The Val25965_Gly25966del variant in TTN has not been previously reported in indi viduals with cardiomyopathy or in large population studies. This variant is a de letion of 2 amino acids at position 25965 and is not predicted to alter the prot ein reading-frame. Computational tools suggest an impact to splicing. However, t his information is not predictive enough to determine pathogenicity. This data r aises the possibility that the Val25965_Gly25966del variant may be pathogenic bu t additional studies are needed to fully assess its clinical significance.

NM_001267550.2(TTN):c.85598_85603del (p.Val28533_Gly28534del)

Genes: TTN-AS1 (TTN antisense RNA 1; plus strand), TTN (titin; minus strand). Cytogenetic location: 2q31.2.
Variant type: Deletion.
Coding change: c.85598_85603del on transcript NM_001267550.2 (MANE Select); coding-DNA positions 85598 to 85603, 6 bases deleted (TTGGTG; older notation c.85598_85603delTTGGTG).
Protein change: p.Val28533_Gly28534del.
Molecular consequence: inframe deletion.
Genome position (GRCh38, 1-based): chr2:178,560,529-178,560,534, CACCAA deleted on the plus strand (TTGGTG on the coding strand, the reverse complement: TTN is on the minus strand); deleting any 6 consecutive bases within chr2:178,560,529-178,560,539 gives the same sequence; the c. name uses the placement nearest the transcript's 3' end. VCF-style (leftmost placement, unchanged base first): chr2-178560528-TCACCAA-T. GRCh37 (hg19) VCF-style: chr2-179425255-TCACCAA-T.
Other names: c.80675_80680del, p.Val26892_Gly26893del (NM_001256850.1); c.58403_58408del, p.Val19468_Gly19469del (NM_003319.4); c.77894_77899del, p.Val25965_Gly25966del (NM_133378.4); c.58778_58783del, p.Val19593_Gly19594del (NM_133432.3); c.58979_58984del, p.Val19660_Gly19661del (NM_133437.4); c.77894_77899delTTGGTG (NM_133378.4).
Identifiers: ClinVar variation 165782 (VCV000165782.5), dbSNP rs727503553, ClinGen allele CA178463.